The following is an entry in ClinVar:

ClinVar aggregate classification (germline): Likely pathogenic (1 of 4 stars; one submission).

Conditions:
Jeune thoracic dystrophy. Also called: Jeune syndrome; Infantile thoracic dystrophy; Thoracic pelvic phalangeal dystrophy; Jeune's syndrome; Chondroectodermal dysplasia-like syndrome; Short-rib thoracic dysplasia. Identifiers: Orphanet 474, MedGen C0265275, MONDO:0018770.

Allele frequency attached by ClinVar (database versions not stated): gnomAD 0.00001; TOPMed 0.00003.

Submission:

Labcorp Genetics (formerly Invitae), Labcorp
Classification: Likely pathogenic for Jeune thoracic dystrophy. Last evaluated: 2023-06-23. Review status: criteria provided, single submitter. Criteria: Invitae Variant Classification Sherloc (09022015). Collection method: clinical testing. Allele origin: germline.
Comment: In summary, the currently available evidence indicates that the variant is pathogenic, but additional data are needed to prove that conclusively. Therefore, this variant has been classified as Likely Pathogenic. This variant is present in population databases (no rsID available, gnomAD 0.01%). This variant has not been reported in the literature in individuals affected with DYNC2H1-related conditions. Algorithms developed to predict the effect of sequence changes on RNA splicing suggest that this variant may disrupt the consensus splice site. This sequence change affects an acceptor splice site in intron 35 of the DYNC2H1 gene. It is expected to disrupt RNA splicing. Variants that disrupt the donor or acceptor splice site typically lead to a loss of protein function (PMID: 16199547), and loss-of-function variants in DYNC2H1 are known to be pathogenic (PMID: 23339108, 32753734).

Literature cited by the submitters: PubMed 16199547; PubMed 23339108; PubMed 32753734.

NM_001377.3(DYNC2H1):c.5559-2A>G

Gene: DYNC2H1 (dynein cytoplasmic 2 heavy chain 1; plus strand). Cytogenetic location: 11q22.3.
Variant type: single nucleotide variant.
Coding change: c.5559-2A>G on transcript NM_001377.3 (MANE Select); the canonical splice acceptor site of the intron before coding-DNA position 5559, A replaced by G.
Molecular consequence: splice acceptor variant.
Genome position (GRCh38, 1-based): chr11:103,174,053, A>G. VCF-style: chr11-103174053-A-G. GRCh37 (hg19) VCF-style: chr11-103044782-A-G.
Other names: c.5559-2A>G (NM_001080463.2).
Identifiers: ClinVar variation 2962883 (VCV002962883.4), dbSNP rs940562603, ClinGen allele CA227399809.